The following is an entry in ClinVar:

NM_004104.5(FASN):c.1724A>G (p.Asp575Gly)

Gene: FASN (fatty acid synthase; minus strand). Cytogenetic location: 17q25.3.
Variant type: single nucleotide variant.
Coding change: c.1724A>G on transcript NM_004104.5 (MANE Select); coding-DNA position 1724, A replaced by G.
Protein change: p.Asp575Gly; replaces aspartic acid 575 with glycine.
Molecular consequence: missense variant.
Genome position (GRCh38, 1-based): chr17:82,090,521, T>C on the plus strand (A>G on the coding strand, the complement: FASN is on the minus strand). VCF-style: chr17-82090521-T-C. GRCh37 (hg19) VCF-style: chr17-80048397-T-C.
Other names: short protein forms D575G.
Identifiers: ClinVar variation 2797479 (VCV002797479.3), dbSNP rs866081456, ClinGen allele CA295137052.

ClinVar aggregate classification (germline): Uncertain significance (1 of 4 stars; one submission).

Conditions:
Epileptic encephalopathy. Identifiers: MedGen C0543888, HP:0200134.

Submission:

Labcorp Genetics (formerly Invitae), Labcorp
Classification: Uncertain significance for Epileptic encephalopathy. Last evaluated: 2023-11-08. Review status: criteria provided, single submitter. Criteria: Invitae Variant Classification Sherloc (09022015). Collection method: clinical testing. Allele origin: germline.
Comment: This sequence change replaces aspartic acid, which is acidic and polar, with glycine, which is neutral and non-polar, at codon 575 of the FASN protein (p.Asp575Gly). This variant is not present in population databases (gnomAD no frequency). This variant has not been reported in the literature in individuals affected with FASN-related conditions. An algorithm developed to predict the effect of missense changes on protein structure and function (PolyPhen-2) suggests that this variant is likely to be disruptive. In summary, the available evidence is currently insufficient to determine the role of this variant in disease. Therefore, it has been classified as a Variant of Uncertain Significance.